The following is an entry in ClinVar:

ClinVar aggregate classification (germline): Uncertain significance. Review status: criteria provided, multiple submitters, no conflicts (2 of 4 stars). 4 submissions from 4 submitters: Uncertain significance (3). 1 of the submissions does not count toward it. Last evaluated 2025-01-27.

Conditions:
Familial dysautonomia. Also called: FD; HSAN III. Identifiers: Orphanet 1764, MedGen C0013364, MONDO:0009131, OMIM 223900. Disease mechanism: loss of function.
Medulloblastoma (MDB). Also called: Medulloblastoma, somatic; MEDULLOBLASTOMA PREDISPOSITION SYNDROME. Identifiers: Orphanet 616, MedGen C0025149, MeSH D008527, MONDO:0007959, OMIM 155255, HP:0002885.

Allele frequency attached by ClinVar (database versions not stated): TOPMed below 0.00001; ExAC 0.00001; gnomAD exomes 0.00002; gnomAD 0.00003.
gnomAD v4.1: 34 of 1,613,438 alleles (0.0021%); highest among the groups gnomAD compares: Non-Finnish European, 0.0027%; no homozygotes.

Submissions (4):

Ambry Genetics
Classification: Uncertain significance. Last evaluated: 2025-01-27. Review status: criteria provided, single submitter. Criteria: Ambry Variant Classification Scheme 2023. Collection method: clinical testing. Allele origin: germline.

Fulgent Genetics
Classification: Uncertain significance for Medulloblastoma; Familial dysautonomia. Last evaluated: 2022-05-28. Review status: criteria provided, single submitter. Criteria: ACMG Guidelines, 2015. Collection method: clinical testing. Allele origin: unknown.

Labcorp Genetics (formerly Invitae), Labcorp
Classification: Uncertain significance. Last evaluated: 2020-10-25. Review status: criteria provided, single submitter. Criteria: Invitae Variant Classification Sherloc (09022015). Collection method: clinical testing. Allele origin: germline.
Comment: This sequence change replaces glutamine with arginine at codon 1256 of the IKBKAP protein (p.Gln1256Arg). The glutamine residue is highly conserved and there is a small physicochemical difference between glutamine and arginine. This variant is present in population databases (rs766517046, ExAC 0.001%). This variant has not been reported in the literature in individuals with a IKBKAP-related disease. Algorithms developed to predict the effect of missense changes on protein structure and function do not agree on the potential impact of this missense change (SIFT: Tolerated; PolyPhen-2: Probably Damaging; Align-GVGD: Class C0). In summary, this variant has uncertain impact on IKBKAP function. The available evidence is currently insufficient to determine its role in disease. Therefore, it has been classified as a Variant of Uncertain Significance.

Natera, Inc.
Classification: Uncertain significance for Familial dysautonomia. Last evaluated: 2020-09-16. Review status: no assertion criteria provided. Collection method: clinical testing. Allele origin: germline. Not counted in ClinVar's aggregate classification.

NM_003640.5(ELP1):c.3767A>G (p.Gln1256Arg)

Gene: ELP1 (elongator acetyltransferase complex subunit 1; minus strand). Cytogenetic location: 9q31.3.
Variant type: single nucleotide variant.
Coding change: c.3767A>G on transcript NM_003640.5 (MANE Select); coding-DNA position 3767, A replaced by G.
Protein change: p.Gln1256Arg; replaces glutamine 1256 with arginine.
Molecular consequence: missense variant.
Genome position (GRCh38, 1-based): chr9:108,878,083, T>C on the plus strand (A>G on the coding strand, the complement: ELP1 is on the minus strand). VCF-style: chr9-108878083-T-C. GRCh37 (hg19) VCF-style: chr9-111640363-T-C.
Other names: c.3767A>G (LRG_251t1); c.3425A>G, p.Gln1142Arg (NM_001318360.2); c.2720A>G, p.Gln907Arg (NM_001330749.2); short protein forms Q1256R, Q1142R, Q907R.
Identifiers: ClinVar variation 455967 (VCV000455967.6), dbSNP rs766517046, ClinGen allele CA5174191.